The following is an entry in ClinVar:

NM_033026.6(PCLO):c.1756A>G (p.Lys586Glu)

Gene: PCLO (piccolo presynaptic cytomatrix protein; minus strand). Cytogenetic location: 7q21.11.
Variant type: single nucleotide variant.
Coding change: c.1756A>G on transcript NM_033026.6 (MANE Select); coding-DNA position 1756, A replaced by G.
Protein change: p.Lys586Glu; replaces lysine 586 with glutamic acid.
Molecular consequence: missense variant.
Genome position (GRCh38, 1-based): chr7:83,154,885, T>C on the plus strand (A>G on the coding strand, the complement: PCLO is on the minus strand). VCF-style: chr7-83154885-T-C. GRCh37 (hg19) VCF-style: chr7-82784201-T-C.
Other names: c.1756A>G, p.Lys586Glu (NM_014510.3); short protein forms K586E.
Identifiers: ClinVar variation 1503434 (VCV001503434.5), dbSNP rs1279746652, ClinGen allele CA367912763.
Genomic context (GRCh38, chr7:83,154,885, plus strand): 5'-TGGCCTTTTCTGGAACATGCAACAGAAGTTCAGTGGTATTGCAAAGAGGACAGATGGTTT[T>C]AGGGAGGCCTTGTGAAGGAGGCTGTTTTGCAGATGGAGACACTGTTGGTGGCTGCAGAGG-3'
Protein context (NP_149015.2, residues 576-596): AKQPPSQGLP[Lys586Glu]TICPLCNTTE

ClinVar aggregate classification (germline): Uncertain significance (1 of 4 stars; one submission).

Allele frequency attached by ClinVar (database versions not stated): gnomAD exomes 0.00001.
gnomAD v4.1: 9 of 1,614,040 alleles (0.00056%); highest among the groups gnomAD compares: Non-Finnish European, 0.00076%; no homozygotes.

Submission:

Labcorp Genetics (formerly Invitae), Labcorp
Classification: Uncertain significance. Last evaluated: 2025-02-24. Review status: criteria provided, single submitter. Criteria: Invitae Variant Classification Sherloc (09022015). Collection method: clinical testing. Allele origin: germline.
Comment: This sequence change replaces lysine, which is basic and polar, with glutamic acid, which is acidic and polar, at codon 586 of the PCLO protein (p.Lys586Glu). This variant is present in population databases (no rsID available, gnomAD 0.002%). This variant has not been reported in the literature in individuals affected with PCLO-related conditions. ClinVar contains an entry for this variant (Variation ID: 1503434). Experimental studies and prediction algorithms are not available or were not evaluated, and the functional significance of this variant is currently unknown. In summary, the available evidence is currently insufficient to determine the role of this variant in disease. Therefore, it has been classified as a Variant of Uncertain Significance.